The following is an entry in ClinVar:

ClinVar aggregate classification (germline): Uncertain significance (1 of 4 stars; one submission).

Allele frequency attached by ClinVar (database versions not stated): gnomAD exomes below 0.00001.
gnomAD v4.1: 3 of 1,208,590 alleles (0.00025%); highest among the groups gnomAD compares: Non-Finnish European, 0.00022%; no homozygotes.

Submission:

CeGaT Center for Human Genetics Tuebingen
Classification: Uncertain significance. Last evaluated: 2023-09-01. Review status: criteria provided, single submitter. Criteria: CeGaT Center For Human Genetics Tuebingen Variant Classification Criteria Version 2. Collection method: clinical testing. Allele origin: germline. Affected: yes. Observed: 1 variant allele.
Comment: TFE3: PM2, BP4

NM_006521.6(TFE3):c.427C>T (p.Pro143Ser)

Gene: TFE3 (transcription factor binding to IGHM enhancer 3; minus strand). Cytogenetic location: Xp11.23.
Variant type: single nucleotide variant.
Coding change: c.427C>T on transcript NM_006521.6 (MANE Select); coding-DNA position 427, C replaced by T.
Protein change: p.Pro143Ser; replaces proline 143 with serine.
Molecular consequence: missense variant.
Genome position (GRCh38, 1-based): chrX:49,039,214, G>A on the plus strand (C>T on the coding strand, the complement: TFE3 is on the minus strand). VCF-style: chrX-49039214-G-A. GRCh37 (hg19) VCF-style: chrX-48896739-G-A.
Other names: c.112C>T, p.Pro38Ser (NM_001282142.2); short protein forms P143S, P38S.
Identifiers: ClinVar variation 2660505 (VCV002660505.24), dbSNP rs2520164452, ClinGen allele CA412912287.